The following is an entry in ClinVar:

ClinVar aggregate classification (germline): Likely pathogenic (1 of 4 stars; one submission).

Conditions:
Intellectual disability-facial dysmorphism syndrome due to SETD5 haploinsufficiency (MRD23). Also called: Intellectual developmental disorder, autosomal dominant 23. Identifiers: Orphanet 404440, MedGen C3810406, MONDO:0014336, OMIM 615761.

Submission:

ARUP Laboratories, Molecular Genetics and Genomics, ARUP Laboratories
Classification: Likely pathogenic for Intellectual disability-facial dysmorphism syndrome due to SETD5 haploinsufficiency. Last evaluated: 2023-09-08. Review status: criteria provided, single submitter. Criteria: ARUP Molecular Germline Variant Investigation Process 2024. Collection method: clinical testing. Allele origin: germline.
Comment: The SETD5 c.3197T>G; p.Val1066Gly variant, to our knowledge, is not reported in the medical literature or gene specific databases. This variant is also absent from the Genome Aggregation Database (v2.1.1), indicating it is not a common polymorphism. Computational analyses predict that this variant is deleterious (REVEL: 0.701). Based on available information, this variant is considered to be likely pathogenic.

NM_001080517.3(SETD5):c.3197T>G (p.Val1066Gly)

Gene: SETD5 (SET domain containing 5; plus strand). Cytogenetic location: 3p25.3.
Variant type: single nucleotide variant.
Coding change: c.3197T>G on transcript NM_001080517.3 (MANE Select); coding-DNA position 3197, T replaced by G.
Protein change: p.Val1066Gly; replaces valine 1066 with glycine.
Molecular consequence: missense variant.
Genome position (GRCh38, 1-based): chr3:9,473,237, T>G. VCF-style: chr3-9473237-T-G. GRCh37 (hg19) VCF-style: chr3-9514921-T-G.
Other names: c.2903T>G, p.Val968Gly (NM_001292043.2, NM_001349451.2); short protein forms V968G, V1066G.
Identifiers: ClinVar variation 2921215 (VCV002921215.1), dbSNP rs2473889214, ClinGen allele CA351684579.
Genomic context (GRCh38, chr3:9,473,237, plus strand): 5'-TCCACTAATGATATCCAGATAGAGTACCGTTTTTTGTTTGTTTGTTTTTTCCTTTCTAGG[T>G]ATCCCTGCTGGAGTACCGAAAACGGAAACAAGAAGCTAAGGAAAATTCTGCTGGTGGGGG-3'
Protein context (NP_001073986.1, residues 1056-1076): APQNPPQRKK[Val1066Gly]SLLEYRKRKQ